The following is an entry in ClinVar:

ClinVar aggregate classification (germline): Uncertain significance (1 of 4 stars; one submission).

Allele frequency attached by ClinVar (database versions not stated): gnomAD exomes below 0.00001.
gnomAD v4.1: 3 of 1,614,170 alleles (0.00019%); highest among the groups gnomAD compares: Non-Finnish European, 0.00025%; no homozygotes.

Submission:

Ambry Genetics
Classification: Uncertain significance. Last evaluated: 2023-01-31. Review status: criteria provided, single submitter. Criteria: Ambry Variant Classification Scheme 2023. Collection method: clinical testing. Allele origin: germline.
Comment: The p.Y849C variant (also known as c.2546A>G), located in coding exon 13 of the NPAT gene, results from an A to G substitution at nucleotide position 2546. The tyrosine at codon 849 is replaced by cysteine, an amino acid with highly dissimilar properties. This amino acid position is conserved. In addition, this alteration is predicted to be tolerated by in silico analysis. Since supporting evidence is limited at this time, the clinical significance of this alteration remains unclear.

NM_002519.3(NPAT):c.2546A>G (p.Tyr849Cys)

Gene: NPAT (nuclear protein, coactivator of histone transcription; minus strand). Cytogenetic location: 11q22.3.
Variant type: single nucleotide variant.
Coding change: c.2546A>G on transcript NM_002519.3 (MANE Select); coding-DNA position 2546, A replaced by G.
Protein change: p.Tyr849Cys; replaces tyrosine 849 with cysteine.
Molecular consequence: missense variant.
Genome position (GRCh38, 1-based): chr11:108,172,438, T>C on the plus strand (A>G on the coding strand, the complement: NPAT is on the minus strand). VCF-style: chr11-108172438-T-C. GRCh37 (hg19) VCF-style: chr11-108043165-T-C.
Other names: c.2546A>G, p.Tyr849Cys (NM_001321307.1); short protein forms Y849C.
Identifiers: ClinVar variation 2453784 (VCV002453784.2), dbSNP rs2496716819, ClinGen allele CA382512748.